The following is an entry in ClinVar:

NM_006904.7(PRKDC):c.187T>A (p.Phe63Ile)

Gene: PRKDC (protein kinase, DNA-activated, catalytic subunit; minus strand). Cytogenetic location: 8q11.21.
Variant type: single nucleotide variant.
Coding change: c.187T>A on transcript NM_006904.7 (MANE Select); coding-DNA position 187, T replaced by A.
Protein change: p.Phe63Ile; replaces phenylalanine 63 with isoleucine.
Molecular consequence: missense variant.
Genome position (GRCh38, 1-based): chr8:47,957,399, A>T on the plus strand (T>A on the coding strand, the complement: PRKDC is on the minus strand). VCF-style: chr8-47957399-A-T. GRCh37 (hg19) VCF-style: chr8-48869959-A-T.
Other names: c.187T>A, p.Phe63Ile (NM_001081640.2); short protein forms F63I.
Identifiers: ClinVar variation 1781873 (VCV001781873.2), dbSNP rs897878675, ClinGen allele CA176151405.

ClinVar aggregate classification (germline): Uncertain significance (1 of 4 stars; one submission).

Allele frequency attached by ClinVar (database versions not stated): gnomAD 0.00001; gnomAD exomes 0.00001; TOPMed 0.00001.
gnomAD v4.1: 20 of 1,592,564 alleles (0.0013%); highest among the groups gnomAD compares: Non-Finnish European, 0.0017%; no homozygotes.

Submission:

Ambry Genetics
Classification: Uncertain significance. Last evaluated: 2021-09-01. Review status: criteria provided, single submitter. Criteria: Ambry Variant Classification Scheme 2023. Collection method: clinical testing. Allele origin: germline.
Comment: The p.F63I variant (also known as c.187T>A), located in coding exon 2 of the PRKDC gene, results from a T to A substitution at nucleotide position 187. The phenylalanine at codon 63 is replaced by isoleucine, an amino acid with highly similar properties. This amino acid position is conserved. In addition, this alteration is predicted to be tolerated by in silico analysis. Since supporting evidence is limited at this time, the clinical significance of this alteration remains unclear.